The following is an entry in ClinVar:

ClinVar aggregate classification (germline): Uncertain significance (1 of 4 stars; one submission).

Allele frequency attached by ClinVar (database versions not stated): TOPMed below 0.00001; gnomAD 0.00001.
gnomAD v4.1: 8 of 1,613,642 alleles (0.0005%); highest among the groups gnomAD compares: East Asian, 0.013%; no homozygotes.

Submission:

Labcorp Genetics (formerly Invitae), Labcorp
Classification: Uncertain significance. Last evaluated: 2024-10-03. Review status: criteria provided, single submitter. Criteria: Invitae Variant Classification Sherloc (09022015). Collection method: clinical testing. Allele origin: germline.
Comment: This sequence change replaces alanine, which is neutral and non-polar, with serine, which is neutral and polar, at codon 1025 of the ITGAM protein (p.Ala1025Ser). This variant is not present in population databases (gnomAD no frequency). This variant has not been reported in the literature in individuals affected with ITGAM-related conditions. ClinVar contains an entry for this variant (Variation ID: 1385466). An algorithm developed to predict the effect of missense changes on protein structure and function (PolyPhen-2) suggests that this variant is likely to be disruptive. In summary, the available evidence is currently insufficient to determine the role of this variant in disease. Therefore, it has been classified as a Variant of Uncertain Significance.

NM_000632.4(ITGAM):c.3073G>T (p.Ala1025Ser)

Gene: ITGAM (integrin subunit alpha M; plus strand). Cytogenetic location: 16p11.2.
Variant type: single nucleotide variant.
Coding change: c.3073G>T on transcript NM_000632.4 (MANE Select); coding-DNA position 3073, G replaced by T.
Protein change: p.Ala1025Ser; replaces alanine 1025 with serine.
Molecular consequence: missense variant.
Genome position (GRCh38, 1-based): chr16:31,330,320, G>T. VCF-style: chr16-31330320-G-T. GRCh37 (hg19) VCF-style: chr16-31341641-G-T.
Other names: c.3076G>T, p.Ala1026Ser (NM_001145808.2); short protein forms A1025S, A1026S.
Identifiers: ClinVar variation 1385466 (VCV001385466.6), dbSNP rs1237741528, ClinGen allele CA395701444.